The following is an entry in ClinVar:

NM_152517.3(IFT70B):c.297C>T (p.Thr99=)

Gene: IFT70B (intraflagellar transport 70B; minus strand). Cytogenetic location: 2q31.2.
Variant type: single nucleotide variant.
Coding change: c.297C>T on transcript NM_152517.3 (MANE Select); coding-DNA position 297, C replaced by T.
Protein change: p.Thr99=; no amino-acid change (threonine 99 retained).
Molecular consequence: synonymous variant.
Genome position (GRCh38, 1-based): chr2:177,552,467, G>A on the plus strand (C>T on the coding strand, the complement: IFT70B is on the minus strand). VCF-style: chr2-177552467-G-A. GRCh37 (hg19) VCF-style: chr2-178417195-G-A.
Identifiers: ClinVar variation 3388213 (VCV003388213.14).

ClinVar aggregate classification (germline): Likely benign (1 of 4 stars; one submission).

gnomAD v4.1: 630 of 1,612,060 alleles (0.039%); highest among the groups gnomAD compares: Middle Eastern, 0.43%; 5 homozygotes.

Submission:

CeGaT Center for Human Genetics Tuebingen
Classification: Likely benign. Last evaluated: 2026-06-01. Review status: criteria provided, single submitter. Criteria: CeGaT Center For Human Genetics Tuebingen Variant Classification Criteria Version 2. Collection method: clinical testing. Allele origin: germline. Affected: yes. Observed: 3 variant alleles.
Comment: IFT70B: BP4, BP7